The following is an entry in ClinVar:

ClinVar aggregate classification (germline): Conflicting classifications of pathogenicity. Review status: criteria provided, conflicting classifications (1 of 4 stars). 2 submissions from 2 submitters: Uncertain significance (1); Likely benign (1). Last evaluated 2025-11-28.

Allele frequency attached by ClinVar (database versions not stated): gnomAD 0.00002 and 0.00003; gnomAD exomes 0.00002 and 0.00007; TOPMed 0.00003; ExAC 0.00007; 1000 Genomes Project 30x 0.00016; 1000 Genomes Project 0.00020.
gnomAD v4.1: 34 of 1,614,130 alleles (0.0021%); highest among the groups gnomAD compares: East Asian, 0.038%; no homozygotes.

Submissions (2):

Labcorp Genetics (formerly Invitae), Labcorp
Classification: Likely benign. Last evaluated: 2025-11-28. Review status: criteria provided, single submitter. Criteria: Invitae Variant Classification Sherloc (09022015). Collection method: clinical testing. Allele origin: germline.

GeneDx
Classification: Uncertain significance. Last evaluated: 2019-08-12. Review status: criteria provided, single submitter. Criteria: GeneDx Variant Classification Process June 2021. Collection method: clinical testing. Allele origin: germline. Affected: yes.
Comment: In silico analysis, which includes protein predictors and evolutionary conservation, supports that this variant does not alter protein structure/function; Has not been previously published as pathogenic or benign to our knowledge

NM_001291303.3(FAT4):c.4964G>A (p.Ser1655Asn)

Gene: FAT4 (FAT atypical cadherin 4; plus strand). Cytogenetic location: 4q28.1.
Variant type: single nucleotide variant.
Coding change: c.4964G>A on transcript NM_001291303.3 (MANE Select); coding-DNA position 4964, G replaced by A.
Protein change: p.Ser1655Asn; replaces serine 1655 with asparagine.
Molecular consequence: missense variant.
Genome position (GRCh38, 1-based): chr4:125,321,375, G>A. VCF-style: chr4-125321375-G-A. GRCh37 (hg19) VCF-style: chr4-126242530-G-A.
Other names: c.4964G>A, p.Ser1655Asn (NM_001291285.3, NM_024582.6); short protein forms S1655N.
Identifiers: ClinVar variation 1307665 (VCV001307665.9), dbSNP rs572010193, ClinGen allele CA3072550.
Genomic context (GRCh38, chr4:125,321,375, plus strand): 5'-TAACTATTTTGAAGGAAGGAGAACCCATTGGCACAAACGTGATATCAATAGAAGCAGCTA[G>A]CCCCAGAGGATCTGAGGCCCCAGTGGAGTATTATATTGTTTCAGTTCGTTGTGAAGAAAA-3'
Protein context (NP_001278232.1, residues 1645-1665): GTNVISIEAA[Ser1655Asn]PRGSEAPVEY